The following is an entry in ClinVar:

ClinVar aggregate classification (germline): Pathogenic/Likely pathogenic. Review status: criteria provided, multiple submitters, no conflicts (2 of 4 stars). 3 submissions from 3 submitters: Pathogenic (1); Likely pathogenic (1). 1 of the submissions does not count toward it. Last evaluated 2025-09-10.

Conditions:
Cholestasis, progressive familial intrahepatic, 5 (PFIC5). Identifiers: Orphanet 480476, MedGen C4310747, MONDO:0014884, OMIM 617049.
NR1H4-related disorder. Also called: NR1H4-related condition.

Allele frequency attached by ClinVar (database versions not stated): TOPMed below 0.00001.

Submissions (3):

Genomic Medicine Center of Excellence, King Faisal Specialist Hospital and Research Centre
Classification: Pathogenic for Cholestasis, progressive familial intrahepatic, 5. Last evaluated: 2025-09-10. Review status: criteria provided, single submitter. Criteria: ACMG Guidelines, 2015. Collection method: clinical testing. Allele origin: germline.

Eurofins Ntd Llc (ga)
Classification: Likely pathogenic. Last evaluated: 2016-11-06. Review status: criteria provided, single submitter. Criteria: EGL Classification Definitions 2015. Collection method: clinical testing. Allele origin: germline. Observed: 1 variant allele, 1 homozygote.

PreventionGenetics, part of Exact Sciences
Classification: Likely pathogenic for NR1H4-related condition. Last evaluated: 2024-03-26. Review status: no assertion criteria provided. Collection method: clinical testing. Allele origin: germline. Not counted in ClinVar's aggregate classification.
Comment: The NR1H4 c.819+1G>A variant is predicted to disrupt the GT donor site and interfere with normal splicing. To our knowledge, this variant has not been reported in the literature or in a large population database, indicating this variant is rare. Variants that disrupt the consensus splice donor site in NR1H4 are expected to be pathogenic. This variant is interpreted as likely pathogenic.

NM_001206979.2(NR1H4):c.831+1G>A

Gene: NR1H4 (nuclear receptor subfamily 1 group H member 4; plus strand). Cytogenetic location: 12q23.1.
Variant type: single nucleotide variant.
Coding change: c.831+1G>A on transcript NM_001206979.2 (MANE Select); the canonical splice donor site of the intron after coding-DNA position 831, G replaced by A.
Molecular consequence: splice donor variant.
Genome position (GRCh38, 1-based): chr12:100,536,611, G>A. VCF-style: chr12-100536611-G-A. GRCh37 (hg19) VCF-style: chr12-100930389-G-A.
Other names: c.831+1G>A (NM_001206977.2); c.819+1G>A (NM_005123.4, NM_005123.3); c.678+1G>A (NM_001206978.2); c.861+1G>A (NM_001206993.2); c.849+1G>A (NM_001206992.2).
Identifiers: ClinVar variation 498106 (VCV000498106.7), dbSNP rs1555335782, ClinGen allele CA386228591.